The following is an entry in ClinVar:

NM_001083926.2(ASRGL1):c.586C>T (p.Arg196Cys)

Gene: ASRGL1 (asparaginase and isoaspartyl peptidase 1; plus strand). Cytogenetic location: 11q12.3.
Variant type: single nucleotide variant.
Coding change: c.586C>T on transcript NM_001083926.2 (MANE Select); coding-DNA position 586, C replaced by T.
Protein change: p.Arg196Cys; replaces arginine 196 with cysteine.
Molecular consequence: missense variant.
Genome position (GRCh38, 1-based): chr11:62,389,227, C>T. VCF-style: chr11-62389227-C-T. GRCh37 (hg19) VCF-style: chr11-62156699-C-T.
Other names: c.586C>T, p.Arg196Cys (NM_025080.4); short protein forms R196C.
Identifiers: ClinVar variation 1440060 (VCV001440060.8), dbSNP rs529094501, ClinGen allele CA6043243.

ClinVar aggregate classification (germline): Uncertain significance (1 of 4 stars; one submission).

Allele frequency attached by ClinVar (database versions not stated): ExAC 0.00001; gnomAD exomes 0.00001; gnomAD 0.00002 and 0.00003; TOPMed 0.00002; 1000 Genomes Project 30x 0.00016; 1000 Genomes Project 0.00020.
gnomAD v4.1: 18 of 1,614,028 alleles (0.0011%); highest among the groups gnomAD compares: East Asian, 0.0022%; no homozygotes.

Submission:

Labcorp Genetics (formerly Invitae), Labcorp
Classification: Uncertain significance. Last evaluated: 2024-09-29. Review status: criteria provided, single submitter. Criteria: Invitae Variant Classification Sherloc (09022015). Collection method: clinical testing. Allele origin: germline.
Comment: This sequence change replaces arginine, which is basic and polar, with cysteine, which is neutral and slightly polar, at codon 196 of the ASRGL1 protein (p.Arg196Cys). This variant is present in population databases (rs529094501, gnomAD 0.002%). This variant has not been reported in the literature in individuals affected with ASRGL1-related conditions. ClinVar contains an entry for this variant (Variation ID: 1440060). An algorithm developed to predict the effect of missense changes on protein structure and function (PolyPhen-2) suggests that this variant is likely to be disruptive. In summary, the available evidence is currently insufficient to determine the role of this variant in disease. Therefore, it has been classified as a Variant of Uncertain Significance.